The following is an entry in ClinVar:

NM_001458.5(FLNC):c.3624G>A (p.Ala1208=)

Gene: FLNC (filamin C; plus strand). Cytogenetic location: 7q32.1.
Variant type: single nucleotide variant.
Coding change: c.3624G>A on transcript NM_001458.5 (MANE Select); coding-DNA position 3624, G replaced by A.
Protein change: p.Ala1208=; no amino-acid change (alanine 1208 retained).
Molecular consequence: synonymous variant.
Genome position (GRCh38, 1-based): chr7:128,845,089, G>A. VCF-style: chr7-128845089-G-A. GRCh37 (hg19) VCF-style: chr7-128485143-G-A.
Other names: p.Ala1208=; c.3624G>A, p.Ala1208= (NM_001127487.2).
Identifiers: ClinVar variation 129085 (VCV000129085.25), dbSNP rs35281128, ClinGen allele CA152847.

ClinVar aggregate classification (germline): Benign. Review status: criteria provided, multiple submitters, no conflicts (2 of 4 stars). 12 submissions from 12 submitters: Benign (10). 2 of the submissions do not count toward it. Last evaluated 2026-02-04.

Conditions:
Distal myopathy with posterior leg and anterior hand involvement. Also called: WILLIAMS DISTAL MYOPATHY. Identifiers: Orphanet 63273, MedGen C3279722, MONDO:0013550, OMIM 614065.
Myofibrillar myopathy 5. Also called: Filaminopathy (type); FILAMINOPATHY, AUTOSOMAL DOMINANT. Identifiers: Orphanet 171445, MedGen C1836050, MONDO:0012289, OMIM 609524.
Hypertrophic cardiomyopathy 26. Also called: Cardiomyopathy, familial hypertrophic, 26. Identifiers: Orphanet 75249, MedGen C4310749, MONDO:0014883, OMIM 617047.
Cardiovascular phenotype. Identifiers: MedGen CN230736.

Allele frequency attached by ClinVar (database versions not stated): gnomAD exomes 0.01008 and 0.02202; ExAC 0.02604; gnomAD 0.06502 and 0.06868; TOPMed 0.06838; ESP Exome Variant Server 0.07082; 1000 Genomes Project 0.07468; 1000 Genomes Project 30x 0.07589.
gnomAD v4.1: 25,055 of 1,613,804 alleles (1.6%); highest among the groups gnomAD compares: African/African-American, 21%; 1,985 homozygotes.

Submissions (12):

Labcorp Genetics (formerly Invitae), Labcorp
Classification: Benign for Distal myopathy with posterior leg and anterior hand involvement; Myofibrillar myopathy 5; Hypertrophic cardiomyopathy 26. Last evaluated: 2026-02-04. Review status: criteria provided, single submitter. Criteria: Invitae Variant Classification Sherloc (09022015). Collection method: clinical testing. Allele origin: germline.

Molecular Diagnostic Laboratory for Inherited Cardiovascular Disease, Montreal Heart Institute
Classification: Benign. Last evaluated: 2025-04-09. Review status: criteria provided, single submitter. Criteria: ACMG Guidelines, 2015. Collection method: clinical testing. Allele origin: germline. Affected: no.

Women's Health and Genetics/Laboratory Corporation of America, LabCorp
Classification: Benign. Last evaluated: 2023-04-10. Review status: criteria provided, single submitter. Criteria: LabCorp Variant Classification Summary - May 2015. Collection method: clinical testing. Allele origin: germline.

Mayo Clinic Laboratories, Mayo Clinic
Classification: Benign. Last evaluated: 2022-04-26. Review status: criteria provided, single submitter. Criteria: ACMG Guidelines, 2015. Collection method: clinical testing. Allele origin: germline. Observed: 95 variant alleles.

Ambry Genetics
Classification: Benign for Cardiovascular phenotype. Last evaluated: 2018-12-26. Review status: criteria provided, single submitter. Criteria: Ambry Variant Classification Scheme 2023. Collection method: clinical testing. Allele origin: germline.

Athena Diagnostics
Classification: Benign. Last evaluated: 2018-08-09. Review status: criteria provided, single submitter. Criteria: Athena Diagnostics Criteria. Collection method: clinical testing. Allele origin: germline.

GeneDx
Classification: Benign. Last evaluated: 2016-03-25. Review status: criteria provided, single submitter. Criteria: GeneDx Variant Classification (06012015). Collection method: clinical testing. Allele origin: germline. Affected: yes.
Comment: This variant is considered likely benign or benign based on one or more of the following criteria: it is a conservative change, it occurs at a poorly conserved position in the protein, it is predicted to be benign by multiple in silico algorithms, and/or has population frequency not consistent with disease.

Genetic Services Laboratory, University of Chicago
Classification: Benign for AllHighlyPenetrant. Last evaluated: 2013-08-15. Review status: criteria provided, single submitter. Criteria: ACMG Guidelines, 2007. Collection method: clinical testing. Allele origin: germline. Inheritance: Autosomal dominant inheritance.

Breakthrough Genomics
Classification: Benign. Review status: criteria provided, single submitter. Criteria: ACMG Guidelines, 2015. Collection method: not provided. Allele origin: germline. Inheritance: Autosomal dominant inheritance. Affected: yes.

PreventionGenetics, part of Exact Sciences
Classification: Benign. Review status: criteria provided, single submitter. Criteria: ACMG Guidelines, 2015. Collection method: clinical testing. Allele origin: germline.

Clinical Genetics, Academic Medical Center
Classification: Benign. Review status: no assertion criteria provided. Collection method: clinical testing. Allele origin: germline. Affected: yes. Study: VKGL Data-share Consensus. Not counted in ClinVar's aggregate classification.

Laboratory of Diagnostic Genome Analysis, Leiden University Medical Center (LUMC)
Classification: Likely benign. Review status: no assertion criteria provided. Collection method: clinical testing. Allele origin: germline. Affected: yes. Study: VKGL Data-share Consensus. Not counted in ClinVar's aggregate classification.